The following is an entry in ClinVar:

ClinVar aggregate classification (germline): Uncertain significance (1 of 4 stars; one submission).

Allele frequency attached by ClinVar (database versions not stated): gnomAD exomes 0.00001; TOPMed 0.00001.
gnomAD v4.1: 12 of 1,606,182 alleles (0.00075%); highest among the groups gnomAD compares: Middle Eastern, 0.017%; no homozygotes.

Submission:

Labcorp Genetics (formerly Invitae), Labcorp
Classification: Uncertain significance. Last evaluated: 2025-11-17. Review status: criteria provided, single submitter. Criteria: Invitae Variant Classification Sherloc (09022015). Collection method: clinical testing. Allele origin: germline.
Comment: This sequence change replaces alanine, which is neutral and non-polar, with valine, which is neutral and non-polar, at codon 269 of the TRIM8 protein (p.Ala269Val). This variant is not present in population databases (gnomAD no frequency). This variant has not been reported in the literature in individuals affected with TRIM8-related conditions. ClinVar contains an entry for this variant (Variation ID: 2983379). An algorithm developed to predict the effect of missense changes on protein structure and function (PolyPhen-2) suggests that this variant is likely to be tolerated. In summary, the available evidence is currently insufficient to determine the role of this variant in disease. Therefore, it has been classified as a Variant of Uncertain Significance.

NM_030912.3(TRIM8):c.806C>T (p.Ala269Val)

Gene: TRIM8 (tripartite motif containing 8; plus strand). Cytogenetic location: 10q24.32.
Variant type: single nucleotide variant.
Coding change: c.806C>T on transcript NM_030912.3 (MANE Select); coding-DNA position 806, C replaced by T.
Protein change: p.Ala269Val; replaces alanine 269 with valine.
Molecular consequence: missense variant. On other transcripts: non-coding transcript variant (1).
Genome position (GRCh38, 1-based): chr10:102,655,219, C>T. VCF-style: chr10-102655219-C-T. GRCh37 (hg19) VCF-style: chr10-104414976-C-T.
Other names: c.710C>T, p.Ala237Val (NM_001345950.1); short protein forms A269V, A237V.
Identifiers: ClinVar variation 2983379 (VCV002983379.3), dbSNP rs2064013981, ClinGen allele CA377929392.
Genomic context (GRCh38, chr10:102,655,219, plus strand): 5'-AGACAGTGGAGGTCCTAGACAAGGCCCAGGCCAAGTTCTGCAGCGAGAACGCAGCGCAGG[C>T]GCTGCACCTCGGGGAGCGCATGCAGGAGGCCAAGAAGCTGCTGGGCTCCCTGCAGCTGCT-3'
Protein context (NP_112174.2, residues 259-279): AKFCSENAAQ[Ala269Val]LHLGERMQEA